The following is an entry in ClinVar:

ClinVar aggregate classification (germline): Likely benign. Review status: criteria provided, multiple submitters, no conflicts (2 of 4 stars). 3 submissions from 3 submitters: Likely benign (3). Last evaluated 2026-05-01.

Conditions:
Ataxia-telangiectasia-like disorder (ATLD). Identifiers: MedGen C1858391, MONDO:0011457.
Hereditary cancer-predisposing syndrome. Also called: Tumor predisposition; Neoplastic Syndromes, Hereditary; Hereditary Cancer Syndrome; Hereditary neoplastic syndrome. Identifiers: Orphanet 140162, MedGen C0027672, MeSH D009386, MONDO:0015356.

Allele frequency attached by ClinVar (database versions not stated): TOPMed below 0.00001; gnomAD exomes 0.00001.
gnomAD v4.1: 3 of 1,612,932 alleles (0.00019%); highest among the groups gnomAD compares: Non-Finnish European, 0.00025%; no homozygotes.

Submissions (3):

CeGaT Center for Human Genetics Tuebingen
Classification: Likely benign. Last evaluated: 2026-05-01. Review status: criteria provided, single submitter. Criteria: CeGaT Center For Human Genetics Tuebingen Variant Classification Criteria Version 2. Collection method: clinical testing. Allele origin: germline. Affected: yes. Observed: 2 variant alleles.
Comment: MRE11: BP4, BP7

Ambry Genetics
Classification: Likely benign for Hereditary cancer-predisposing syndrome. Last evaluated: 2016-05-13. Review status: criteria provided, single submitter. Criteria: Ambry Variant Classification Scheme 2023. Collection method: clinical testing. Allele origin: germline.

Labcorp Genetics (formerly Invitae), Labcorp
Classification: Likely benign for Ataxia-telangiectasia-like disorder. Last evaluated: 2016-01-11. Review status: criteria provided, single submitter. Criteria: Invitae Variant Classification Sherloc (09022015). Collection method: clinical testing. Allele origin: germline.

NM_005591.4(MRE11):c.303T>C (p.Phe101=)

Gene: MRE11 (MRE11 double strand break repair nuclease; minus strand). Cytogenetic location: 11q21.
Variant type: single nucleotide variant.
Coding change: c.303T>C on transcript NM_005591.4 (MANE Select); coding-DNA position 303, T replaced by C.
Protein change: p.Phe101=; no amino-acid change (phenylalanine 101 retained).
Molecular consequence: synonymous variant.
Genome position (GRCh38, 1-based): chr11:94,485,935, A>G on the plus strand (T>C on the coding strand, the complement: MRE11 is on the minus strand). VCF-style: chr11-94485935-A-G. GRCh37 (hg19) VCF-style: chr11-94219101-A-G.
Other names: c.303T>C, p.Phe101= (NM_001330347.2, NM_005590.4).
Identifiers: ClinVar variation 183943 (VCV000183943.38), dbSNP rs786201176, ClinGen allele CA187058.